The following is an entry in ClinVar:

NM_181426.2(CCDC39):c.1459C>G (p.Leu487Val)

Gene: CCDC39 (coiled-coil domain 39 molecular ruler complex subunit; minus strand). Cytogenetic location: 3q26.33.
Variant type: single nucleotide variant.
Coding change: c.1459C>G on transcript NM_181426.2 (MANE Select); coding-DNA position 1459, C replaced by G.
Protein change: p.Leu487Val; replaces leucine 487 with valine.
Molecular consequence: missense variant.
Genome position (GRCh38, 1-based): chr3:180,647,147, G>C on the plus strand (C>G on the coding strand, the complement: CCDC39 is on the minus strand). VCF-style: chr3-180647147-G-C. GRCh37 (hg19) VCF-style: chr3-180364935-G-C.
Other names: short protein forms L487V.
Identifiers: ClinVar variation 416129 (VCV000416129.36), dbSNP rs200651695, ClinGen allele CA2715938.

ClinVar aggregate classification (germline): Benign. Review status: criteria provided, multiple submitters, no conflicts (2 of 4 stars). 3 submissions from 3 submitters: Benign (3). Last evaluated 2026-01-26.

Conditions:
Primary ciliary dyskinesia. Also called: Ciliary dyskinesia. Identifiers: Orphanet 244, MedGen C0008780, MONDO:0016575, HP:0012265.

Allele frequency attached by ClinVar (database versions not stated): gnomAD 0.00006 and 0.00054; TOPMed 0.00017; gnomAD exomes 0.00092 and 0.00197; ExAC 0.00225; 1000 Genomes Project 30x 0.00328; 1000 Genomes Project 0.00399.
gnomAD v4.1: 1,455 of 1,611,502 alleles (0.09%); highest among the groups gnomAD compares: South Asian, 1.4%; 14 homozygotes.

Submissions (3):

Labcorp Genetics (formerly Invitae), Labcorp
Classification: Benign for Primary ciliary dyskinesia. Last evaluated: 2026-01-26. Review status: criteria provided, single submitter. Criteria: Invitae Variant Classification Sherloc (09022015). Collection method: clinical testing. Allele origin: germline.

CeGaT Center for Human Genetics Tuebingen
Classification: Benign. Last evaluated: 2023-12-01. Review status: criteria provided, single submitter. Criteria: CeGaT Center For Human Genetics Tuebingen Variant Classification Criteria Version 2. Collection method: clinical testing. Allele origin: germline. Affected: yes. Observed: 2 variant alleles.
Comment: CCDC39: BS1, BS2; ENSG00000145075: BS1, BS2

Ambry Genetics
Classification: Benign for Primary ciliary dyskinesia. Last evaluated: 2019-08-28. Review status: criteria provided, single submitter. Criteria: Ambry Variant Classification Scheme 2023. Collection method: clinical testing. Allele origin: germline.